The following is an entry in ClinVar:

NM_000018.4(ACADVL):c.602_603del (p.Tyr201fs)

Gene: ACADVL (acyl-CoA dehydrogenase very long chain; plus strand). Cytogenetic location: 17p13.1.
Variant type: Deletion.
Coding change: c.602_603del on transcript NM_000018.4 (MANE Select); coding-DNA positions 602 to 603, 2 bases deleted (AC; older notation c.602_603delAC).
Protein change: p.Tyr201fs; shifts the reading frame from tyrosine 201.
Molecular consequence: frameshift variant.
Genome position (GRCh38, 1-based): chr17:7,221,662-7,221,663, AC deleted. VCF-style (leftmost placement, unchanged base first): chr17-7221661-TAC-T. GRCh37 (hg19) VCF-style: chr17-7124980-TAC-T.
Other names: p.Tyr201Serfs*51; c.536_537del, p.Tyr179fs (NM_001033859.3); c.671_672del, p.Tyr224fs (NM_001270447.2); c.374_375del, p.Tyr125fs (NM_001270448.2); c.602_603del (NM_000018.3); short protein forms Y125fs, Y224fs, Y179fs, Y201fs.
Identifiers: ClinVar variation 422932 (VCV000422932.3), dbSNP rs1064796104, ClinGen allele CA16620599.

ClinVar aggregate classification (germline): Pathogenic/Likely pathogenic. Review status: criteria provided, multiple submitters, no conflicts (2 of 4 stars). 2 submissions from 2 submitters: Pathogenic (1); Likely pathogenic (1). Last evaluated 2023-05-10.

Conditions:
Very long chain acyl-CoA dehydrogenase deficiency (ACADVLD). Also called: VLCAD Deficiency; Very Long-Chain Acyl-Coenzyme A Dehydrogenase Deficiency. Identifiers: Orphanet 26793, MedGen C3887523, MONDO:0008723, OMIM 201475.

Submissions (2):

Molecular Diagnostics Laboratory, M Health Fairview: University of Minnesota
Classification: Pathogenic for Very long chain acyl-CoA dehydrogenase deficiency. Last evaluated: 2023-05-10. Review status: criteria provided, single submitter. Criteria: ACMG Guidelines, 2015. Collection method: clinical testing. Allele origin: germline. Affected: yes.

GeneDx
Classification: Likely pathogenic. Last evaluated: 2016-12-30. Review status: criteria provided, single submitter. Criteria: GeneDx Variant Classification (06012015). Collection method: clinical testing. Allele origin: germline. Affected: yes.
Comment: The c.602_603delAC variant in the ACADVL gene causes a frameshift starting with codon Tyrosine 201, changes this amino acid to a Serine residue and creates a premature Stop codon at position 51 of the new reading frame, denoted p.Tyr201SerfsX51. This variant is predicted to cause loss of normal protein function either through protein truncation or nonsense-mediated mRNA decay. Although this variant has not been previously reported to our knowledge, it is expected to be a likely pathogenic variant.